The following is an entry in ClinVar:

ClinVar aggregate classification (germline): Uncertain significance. Review status: criteria provided, multiple submitters, no conflicts (2 of 4 stars). 2 submissions from 2 submitters: Uncertain significance (2). Last evaluated 2025-03-14.

Allele frequency attached by ClinVar (database versions not stated): ExAC 0.00002; ESP Exome Variant Server 0.00008.
gnomAD v4.1: 41 of 1,613,978 alleles (0.0025%); highest among the groups gnomAD compares: African/African-American, 0.0067%; no homozygotes.

Submissions (2):

Labcorp Genetics (formerly Invitae), Labcorp
Classification: Uncertain significance. Last evaluated: 2025-03-14. Review status: criteria provided, single submitter. Criteria: Invitae Variant Classification Sherloc (09022015). Collection method: clinical testing. Allele origin: germline.
Comment: This sequence change replaces arginine, which is basic and polar, with cysteine, which is neutral and slightly polar, at codon 189 of the PCK2 protein (p.Arg189Cys). This variant is present in population databases (rs377444905, gnomAD 0.01%). This variant has not been reported in the literature in individuals affected with PCK2-related conditions. ClinVar contains an entry for this variant (Variation ID: 1432900). Invitae Evidence Modeling of protein sequence and biophysical properties (such as structural, functional, and spatial information, amino acid conservation, physicochemical variation, residue mobility, and thermodynamic stability) indicates that this missense variant is not expected to disrupt PCK2 protein function with a negative predictive value of 80%. In summary, the available evidence is currently insufficient to determine the role of this variant in disease. Therefore, it has been classified as a Variant of Uncertain Significance.

Ambry Genetics
Classification: Uncertain significance. Last evaluated: 2024-10-20. Review status: criteria provided, single submitter. Criteria: Ambry Variant Classification Scheme 2023. Collection method: clinical testing. Allele origin: germline.

NM_004563.4(PCK2):c.565C>T (p.Arg189Cys)

Genes: PCK2 (phosphoenolpyruvate carboxykinase 2, mitochondrial; plus strand), NRL (neural retina leucine zipper; minus strand). Cytogenetic location: 14q11.2.
Variant type: single nucleotide variant.
Coding change: c.565C>T on transcript NM_004563.4 (MANE Select); coding-DNA position 565, C replaced by T.
Protein change: p.Arg189Cys; replaces arginine 189 with cysteine.
Molecular consequence: missense variant. On other transcripts: intron variant (3).
Genome position (GRCh38, 1-based): chr14:24,098,579, C>T. VCF-style: chr14-24098579-C-T. GRCh37 (hg19) VCF-style: chr14-24567788-C-T.
Other names: c.565C>T (NM_004563.2); c.565C>T, p.Arg189Cys (NM_001018073.3); c.163C>T, p.Arg55Cys (NM_001291556.2, NM_001308054.2); c.-27-15704G>A (NM_001354768.3, NM_001354770.2); c.-253-13834G>A (NM_006177.5); short protein forms R55C, R189C.
Identifiers: ClinVar variation 1432900 (VCV001432900.7), dbSNP rs377444905, ClinGen allele CA7123169.